The following is an entry in ClinVar:

ClinVar aggregate classification (germline): Pathogenic. Review status: no assertion criteria provided (0 of 4 stars). 2 submissions from 2 submitters: Pathogenic (2). Last evaluated 2022-10-04.

Conditions:
ALG9 congenital disorder of glycosylation (CDG1L). Also called: CONGENITAL DISORDER OF GLYCOSYLATION, TYPE Il; ALG9-CDG; CDG Il. Identifiers: Orphanet 79328, MedGen C2931006, MONDO:0012117, OMIM 608776.

Submissions (2):

OMIM
Classification: Pathogenic for CONGENITAL DISORDER OF GLYCOSYLATION, TYPE Il. Last evaluated: 2022-10-04. Review status: no assertion criteria provided. Collection method: literature only. Allele origin: germline.

Lab Thiel (Congenital Disorders of Glycosylation), Center for Child and Adolescent Medicine
Classification: Pathogenic for ALG9 congenital disorder of glycosylation. Review status: no assertion criteria provided. Collection method: research. Allele origin: germline. Inheritance: Autosomal recessive inheritance. Affected: yes.
Comment: According to ACMG/AMP/ACGS: PM2 (no allele frequency in the general population) +PM3 (2 homozygous patients from independent families) +PP3 (pathogenic score by in silico predictions used -Polyphen2 and SIFT) +PS3 (in vitro functional studies (Western blot, qRT PCR, CHX treatment, LLO) confirmed the impaired damaging effect of the detected variant on protein function) +PP4 (Impaired IEF and N-glycan analyses further support disorder ALG9-CDG)

Literature cited by the submitters: PubMed 35839600 (cited by OMIM).

NM_024740.2(ALG9):c.1460T>C (p.Leu487Pro)

Gene: ALG9 (ALG9 alpha-1,2-mannosyltransferase; minus strand). Cytogenetic location: 11q23.1.
Variant type: single nucleotide variant.
Coding change: c.1460T>C on transcript NM_024740.2 (MANE Select); coding-DNA position 1460, T replaced by C.
Protein change: p.Leu487Pro; replaces leucine 487 with proline.
Molecular consequence: missense variant. On other transcripts: non-coding transcript variant (1).
Genome position (GRCh38, 1-based): chr11:111,837,480, A>G on the plus strand (T>C on the coding strand, the complement: ALG9 is on the minus strand). VCF-style: chr11-111837480-A-G. GRCh37 (hg19) VCF-style: chr11-111708203-A-G.
Other names: c.1439T>C, p.Leu480Pro (NM_001077690.1, NM_001352417.1); c.947T>C, p.Leu316Pro (NM_001077691.2, NM_001352413.1, NM_001352414.2 and 1 more transcripts); c.926T>C, p.Leu309Pro (NM_001077692.2, NM_001352409.1, NM_001352410.1 and 6 more transcripts); c.1316T>C, p.Leu439Pro (NM_001352418.1); c.851T>C, p.Leu284Pro (NM_001352422.2); c.803T>C, p.Leu268Pro (NM_001352423.2); short protein forms L268P, L284P, L309P, L316P, L439P, L480P, L487P.
Identifiers: ClinVar variation 1698703 (VCV001698703.2), dbSNP rs2136827755, ClinGen allele CA382591984.